The following is an entry in ClinVar:

ClinVar aggregate classification (germline): Likely pathogenic (1 of 4 stars; one submission).

Conditions:
Dilated cardiomyopathy 1G (CMD1G). Identifiers: Orphanet 154, MedGen C1858763, MONDO:0011400, OMIM 604145.
Autosomal recessive limb-girdle muscular dystrophy type 2J (LGMDR10). Also called: Limb-girdle muscular dystrophy, type 2J; MUSCULAR DYSTROPHY, LIMB-GIRDLE, AUTOSOMAL RECESSIVE 10. Identifiers: Orphanet 140922, MedGen C1837342, MONDO:0012127, OMIM 608807.

Submission:

Labcorp Genetics (formerly Invitae), Labcorp
Classification: Likely pathogenic for Dilated cardiomyopathy 1G; Autosomal recessive limb-girdle muscular dystrophy type 2J. Last evaluated: 2023-12-16. Review status: criteria provided, single submitter. Criteria: Invitae Variant Classification Sherloc (09022015). Collection method: clinical testing. Allele origin: germline.
Comment: This sequence change creates a premature translational stop signal (p.Gln29775Argfs*50) in the TTN gene. While this is not anticipated to result in nonsense mediated decay, it is expected to create a truncated TTN protein. This variant is not present in population databases (gnomAD no frequency). This variant has not been reported in the literature in individuals affected with TTN-related conditions. This variant is located in the A band of TTN (PMID: 25589632). Truncating variants in this region are significantly overrepresented in patients affected with dilated cardiomyopathy (PMID: 25589632). Truncating variants in this region have also been reported in individuals affected with autosomal recessive centronuclear myopathy (PMID: 23975875). In summary, the currently available evidence indicates that the variant is pathogenic, but additional data are needed to prove that conclusively. Therefore, this variant has been classified as Likely Pathogenic.

Literature cited by the submitters: PubMed 25589632; PubMed 23975875.

NM_001267550.2(TTN):c.89322_89326del (p.Gln29775fs)

Genes: TTN (titin; minus strand), TTN-AS1 (TTN antisense RNA 1; plus strand). Cytogenetic location: 2q31.2.
Variant type: Deletion.
Coding change: c.89322_89326del on transcript NM_001267550.2 (MANE Select); coding-DNA positions 89322 to 89326, 5 bases deleted (ACAAG; older notation c.89322_89326delACAAG).
Protein change: p.Gln29775fs; shifts the reading frame from glutamine 29775.
Molecular consequence: frameshift variant.
Genome position (GRCh38, 1-based): chr2:178,553,679-178,553,683, CTTGT deleted on the plus strand (ACAAG on the coding strand, the reverse complement: TTN is on the minus strand); deleting any 5 consecutive bases within chr2:178,553,679-178,553,686 gives the same sequence; the c. name uses the placement nearest the transcript's 3' end. VCF-style (leftmost placement, unchanged base first): chr2-178553678-CCTTGT-C. GRCh37 (hg19) VCF-style: chr2-179418405-CCTTGT-C.
Other names: c.84399_84403del, p.Gln28134fs (NM_001256850.1); c.62127_62131del, p.Gln20710fs (NM_003319.4); c.81618_81622del, p.Gln27207fs (NM_133378.4); c.62502_62506del, p.Gln20835fs (NM_133432.3); c.62703_62707del, p.Gln20902fs (NM_133437.4); short protein forms Q27207fs, Q28134fs, Q20835fs, Q29775fs, Q20710fs, Q20902fs.
Identifiers: ClinVar variation 2921489 (VCV002921489.3), dbSNP rs2469336512, ClinGen allele CA2740095998.